The following is an entry in ClinVar:

ClinVar aggregate classification (germline): Uncertain significance (1 of 4 stars; one submission).

gnomAD v4.1: 1 of 1,612,590 alleles (0.000062%); highest among the groups gnomAD compares: Non-Finnish European, 0.000085%; no homozygotes.

Submission:

Labcorp Genetics (formerly Invitae), Labcorp
Classification: Uncertain significance. Last evaluated: 2024-06-25. Review status: criteria provided, single submitter. Criteria: Invitae Variant Classification Sherloc (09022015). Collection method: clinical testing. Allele origin: germline.
Comment: This sequence change replaces aspartic acid, which is acidic and polar, with glutamic acid, which is acidic and polar, at codon 177 of the DIABLO protein (p.Asp177Glu). This variant is not present in population databases (gnomAD no frequency). This variant has not been reported in the literature in individuals affected with DIABLO-related conditions. An algorithm developed to predict the effect of missense changes on protein structure and function (PolyPhen-2) suggests that this variant is likely to be tolerated. In summary, the available evidence is currently insufficient to determine the role of this variant in disease. Therefore, it has been classified as a Variant of Uncertain Significance.

NM_001371333.1(DIABLO):c.531T>G (p.Asp177Glu)

Genes: B3GNT4 (UDP-GlcNAc:betaGal beta-1,3-N-acetylglucosaminyltransferase 4; plus strand), DIABLO (diablo IAP-binding mitochondrial protein; minus strand). Cytogenetic location: 12q24.31.
Variant type: single nucleotide variant.
Coding change: c.531T>G on transcript NM_001371333.1 (MANE Select); coding-DNA position 531, T replaced by G.
Protein change: p.Asp177Glu; replaces aspartic acid 177 with glutamic acid.
Molecular consequence: missense variant. On other transcripts: 3 prime UTR variant (2).
Genome position (GRCh38, 1-based): chr12:122,208,570, A>C on the plus strand (T>G on the coding strand, the complement: DIABLO is on the minus strand). VCF-style: chr12-122208570-A-C. GRCh37 (hg19) VCF-style: chr12-122693117-A-C.
Other names: c.240T>G, p.Asp80Glu (NM_001278302.1); c.312T>G, p.Asp104Glu (NM_001278303.1); c.372T>G, p.Asp124Glu (NM_001278304.2, NM_138930.3); c.399T>G, p.Asp133Glu (NM_001278342.1); c.531T>G, p.Asp177Glu (NM_019887.6); c.*1182A>C (NM_001330492.2, NM_030765.4); short protein forms D104E, D80E, D124E, D177E, D133E.
Identifiers: ClinVar variation 3687782 (VCV003687782.2).